The following is an entry in ClinVar:

NM_001939.3(DRP2):c.445A>G (p.Met149Val)

Gene: DRP2 (dystrophin related protein 2; plus strand). Cytogenetic location: Xq22.1.
Variant type: single nucleotide variant.
Coding change: c.445A>G on transcript NM_001939.3 (MANE Select); coding-DNA position 445, A replaced by G.
Protein change: p.Met149Val; replaces methionine 149 with valine.
Molecular consequence: missense variant.
Genome position (GRCh38, 1-based): chrX:101,238,987, A>G. VCF-style: chrX-101238987-A-G. GRCh37 (hg19) VCF-style: chrX-100493976-A-G.
Other names: c.211A>G, p.Met71Val (NM_001171184.2); short protein forms M149V, M71V.
Identifiers: ClinVar variation 4696864 (VCV004696864.1).

ClinVar aggregate classification (germline): Uncertain significance (1 of 4 stars; one submission).

Submission:

Labcorp Genetics (formerly Invitae), Labcorp
Classification: Uncertain significance. Last evaluated: 2025-12-16. Review status: criteria provided, single submitter. Criteria: Invitae Variant Classification Sherloc (09022015). Collection method: clinical testing. Allele origin: germline.
Comment: This sequence change replaces methionine, which is neutral and non-polar, with valine, which is neutral and non-polar, at codon 149 of the DRP2 protein (p.Met149Val). This variant is present in population databases (rs755490905, gnomAD 0.001%). This variant has not been reported in the literature in individuals affected with DRP2-related conditions. Invitae Evidence Modeling of protein sequence and biophysical properties (such as structural, functional, and spatial information, amino acid conservation, physicochemical variation, residue mobility, and thermodynamic stability) indicates that this missense variant is not expected to disrupt DRP2 protein function with a negative predictive value of 80%. In summary, the available evidence is currently insufficient to determine the role of this variant in disease. Therefore, it has been classified as a Variant of Uncertain Significance.